The following is an entry in ClinVar:

ClinVar aggregate classification (germline): Uncertain significance (1 of 4 stars; one submission).

Conditions:
Glycogen storage disease, type VI (GSD6). Also called: Glycogen storage disease type 6; Hepatic glycogen phosphorylase deficiency; HERS DISEASE; PHOSPHORYLASE DEFICIENCY GLYCOGEN-STORAGE DISEASE OF LIVER; Glycogen storage disease type 6, due to phosphorylation; GSD VI. Identifiers: Orphanet 369, MedGen C0017925, MONDO:0009294, OMIM 232700.

Submission:

Labcorp Genetics (formerly Invitae), Labcorp
Classification: Uncertain significance for Glycogen storage disease, type VI. Last evaluated: 2020-02-27. Review status: criteria provided, single submitter. Criteria: Invitae Variant Classification Sherloc (09022015). Collection method: clinical testing. Allele origin: germline.
Comment: In summary, the available evidence is currently insufficient to determine the role of this variant in disease. Therefore, it has been classified as a Variant of Uncertain Significance. Algorithms developed to predict the effect of missense changes on protein structure and function are either unavailable or do not agree on the potential impact of this missense change (SIFT: "Tolerated"; PolyPhen-2: "Probably Damaging"; Align-GVGD: "Class C0"). This variant has not been reported in the literature in individuals with PYGL-related conditions. This variant is not present in population databases (ExAC no frequency). This sequence change replaces threonine with isoleucine at codon 689 of the PYGL protein (p.Thr689Ile). The threonine residue is highly conserved and there is a moderate physicochemical difference between threonine and isoleucine.

NM_002863.5(PYGL):c.2066C>T (p.Thr689Ile)

Gene: PYGL (glycogen phosphorylase L; minus strand). Cytogenetic location: 14q22.1.
Variant type: single nucleotide variant.
Coding change: c.2066C>T on transcript NM_002863.5 (MANE Select); coding-DNA position 2066, C replaced by T.
Protein change: p.Thr689Ile; replaces threonine 689 with isoleucine.
Molecular consequence: missense variant.
Genome position (GRCh38, 1-based): chr14:50,910,006, G>A on the plus strand (C>T on the coding strand, the complement: PYGL is on the minus strand). VCF-style: chr14-50910006-G-A. GRCh37 (hg19) VCF-style: chr14-51376724-G-A.
Other names: c.1964C>T, p.Thr655Ile (NM_001163940.2); short protein forms T655I, T689I.
Identifiers: ClinVar variation 1054229 (VCV001054229.9), dbSNP rs2142788432, ClinGen allele CA389682432.
Genomic context (GRCh38, chr14:50,910,006, plus strand): 5'-AGGTTCTCTTCCCCAGCTTCTTCTGCCATTTCCACATTGGCCCCATCCATGGTCCCGATA[G>A]TTAGGGCCCCATTTAGCATGAACTTCATATTGCCTGTCCCCGAGGCTTCGGTGCCTGCAG-3'
Protein context (NP_002854.3, residues 679-699): NMKFMLNGAL[Thr689Ile]IGTMDGANVE